The following is an entry in ClinVar:

ClinVar aggregate classification (germline): Uncertain significance (1 of 4 stars; one submission).

Allele frequency attached by ClinVar (database versions not stated): gnomAD exomes below 0.00001.

Submission:

Labcorp Genetics (formerly Invitae), Labcorp
Classification: Uncertain significance. Last evaluated: 2020-05-03. Review status: criteria provided, single submitter. Criteria: Invitae Variant Classification Sherloc (09022015). Collection method: clinical testing. Allele origin: germline.
Comment: This sequence change replaces alanine with proline at codon 2369 of the SZT2 protein (p.Ala2369Pro). The alanine residue is weakly conserved and there is a small physicochemical difference between alanine and proline. This variant is not present in population databases (ExAC no frequency). This variant has not been reported in the literature in individuals with SZT2-related conditions. Algorithms developed to predict the effect of missense changes on protein structure and function (SIFT, PolyPhen-2, Align-GVGD) all suggest that this variant is likely to be tolerated, but these predictions have not been confirmed by published functional studies and their clinical significance is uncertain. In summary, the available evidence is currently insufficient to determine the role of this variant in disease. Therefore, it has been classified as a Variant of Uncertain Significance.

NM_001365999.1(SZT2):c.7276G>C (p.Ala2426Pro)

Gene: SZT2 (SZT2 subunit of KICSTOR complex; plus strand). Cytogenetic location: 1p34.2.
Variant type: single nucleotide variant.
Coding change: c.7276G>C on transcript NM_001365999.1 (MANE Select); coding-DNA position 7276, G replaced by C.
Protein change: p.Ala2426Pro; replaces alanine 2426 with proline.
Molecular consequence: missense variant.
Genome position (GRCh38, 1-based): chr1:43,440,518, G>C. VCF-style: chr1-43440518-G-C. GRCh37 (hg19) VCF-style: chr1-43906189-G-C.
Other names: c.7105G>C, p.Ala2369Pro (NM_015284.4); short protein forms A2369P, A2426P.
Identifiers: ClinVar variation 1044149 (VCV001044149.8), dbSNP rs1466780310, ClinGen allele CA340034346.